The following is an entry in ClinVar:

NM_032122.5(DTNBP1):c.1048G>A (p.Asp350Asn)

Gene: DTNBP1 (dystrobrevin binding protein 1; minus strand). Cytogenetic location: 6p22.3.
Variant type: single nucleotide variant.
Coding change: c.1048G>A on transcript NM_032122.5 (MANE Select); coding-DNA position 1048, G replaced by A.
Protein change: p.Asp350Asn; replaces aspartic acid 350 with asparagine.
Molecular consequence: missense variant.
Genome position (GRCh38, 1-based): chr6:15,522,983, C>T on the plus strand (G>A on the coding strand, the complement: DTNBP1 is on the minus strand). VCF-style: chr6-15522983-C-T. GRCh37 (hg19) VCF-style: chr6-15523214-C-T.
Other names: c.805G>A, p.Asp269Asn (NM_001271667.2); c.997G>A, p.Asp333Asn (NM_001271668.2); c.943G>A, p.Asp315Asn (NM_001271669.2); short protein forms D315N, D269N, D333N, D350N.
Identifiers: ClinVar variation 1369551 (VCV001369551.5), dbSNP rs375282879, ClinGen allele CA3643644.
Genomic context (GRCh38, chr6:15,522,983, plus strand): 5'-CATACAGCCAAAACTGGATTCCAGTGTGGCCAGACAACGCCCATGTCCCAATTTAAGAGT[C>T]GCTGTCCTCACCACCATCCGGAGTGGCCTCTCTGTCAGTGTGTGATGTGGCCAGGGCAGT-3'
Protein context (NP_115498.2, residues 340-351): EATPDGGEDS[Asp350Asn]S

ClinVar aggregate classification (germline): Uncertain significance (1 of 4 stars; one submission).

Allele frequency attached by ClinVar (database versions not stated): ExAC 0.00001; gnomAD exomes 0.00002 and 0.00003; gnomAD 0.00005; TOPMed 0.00005; ESP Exome Variant Server 0.00008.
gnomAD v4.1: 51 of 1,614,096 alleles (0.0032%); highest among the groups gnomAD compares: East Asian, 0.0045%; no homozygotes.

Submission:

Labcorp Genetics (formerly Invitae), Labcorp
Classification: Uncertain significance. Last evaluated: 2022-10-24. Review status: criteria provided, single submitter. Criteria: Invitae Variant Classification Sherloc (09022015). Collection method: clinical testing. Allele origin: germline.
Comment: This sequence change replaces aspartic acid, which is acidic and polar, with asparagine, which is neutral and polar, at codon 350 of the DTNBP1 protein (p.Asp350Asn). This variant is present in population databases (rs375282879, gnomAD 0.01%). This variant has not been reported in the literature in individuals affected with DTNBP1-related conditions. ClinVar contains an entry for this variant (Variation ID: 1369551). Algorithms developed to predict the effect of missense changes on protein structure and function are either unavailable or do not agree on the potential impact of this missense change (SIFT: "Deleterious"; PolyPhen-2: "Probably Damaging"; Align-GVGD: "Class C0"). In summary, the available evidence is currently insufficient to determine the role of this variant in disease. Therefore, it has been classified as a Variant of Uncertain Significance.